The following is an entry in ClinVar:

ClinVar aggregate classification (germline): Uncertain significance (1 of 4 stars; one submission).

Conditions:
Neurofibromatosis, type 1 (NF1). Also called: Peripheral type neurofibromatosis; VON RECKLINGHAUSEN DISEASE; Neurofibromatosis, type I; NEUROFIBROMATOSIS, TYPE I, SOMATIC. Identifiers: Orphanet 636, MedGen C0027831, MONDO:0018975, OMIM 162200. Disease mechanism: loss of function.

Submission:

Labcorp Genetics (formerly Invitae), Labcorp
Classification: Uncertain significance for Neurofibromatosis, type 1. Last evaluated: 2023-11-14. Review status: criteria provided, single submitter. Criteria: Invitae Variant Classification Sherloc (09022015). Collection method: clinical testing. Allele origin: germline.
Comment: This sequence change replaces leucine, which is neutral and non-polar, with proline, which is neutral and non-polar, at codon 2269 of the NF1 protein (p.Leu2269Pro). This variant is not present in population databases (gnomAD no frequency). This variant has not been reported in the literature in individuals affected with NF1-related conditions. Advanced modeling of protein sequence and biophysical properties (such as structural, functional, and spatial information, amino acid conservation, physicochemical variation, residue mobility, and thermodynamic stability) performed at Invitae indicates that this missense variant is expected to disrupt NF1 protein function with a positive predictive value of 95%. In summary, the available evidence is currently insufficient to determine the role of this variant in disease. Therefore, it has been classified as a Variant of Uncertain Significance.

NM_001042492.3(NF1):c.6869T>C (p.Leu2290Pro)

Gene: NF1 (neurofibromin 1; plus strand). Cytogenetic location: 17q11.2.
Variant type: single nucleotide variant.
Coding change: c.6869T>C on transcript NM_001042492.3 (MANE Select); coding-DNA position 6869, T replaced by C.
Protein change: p.Leu2290Pro; replaces leucine 2290 with proline.
Molecular consequence: missense variant.
Genome position (GRCh38, 1-based): chr17:31,338,753, T>C. VCF-style: chr17-31338753-T-C. GRCh37 (hg19) VCF-style: chr17-29665771-T-C.
Other names: c.6806T>C, p.Leu2269Pro (NM_000267.4); short protein forms L2269P, L2290P.
Identifiers: ClinVar variation 2695713 (VCV002695713.3), dbSNP rs2508762803, ClinGen allele CA399014349.